The following is an entry in ClinVar:

NM_012469.4(PRPF6):c.2705A>G (p.Glu902Gly)

Gene: PRPF6 (pre-mRNA processing factor 6; plus strand). Cytogenetic location: 20q13.33.
Variant type: single nucleotide variant.
Coding change: c.2705A>G on transcript NM_012469.4 (MANE Select); coding-DNA position 2705, A replaced by G.
Protein change: p.Glu902Gly; replaces glutamic acid 902 with glycine.
Molecular consequence: missense variant.
Genome position (GRCh38, 1-based): chr20:64,032,872, A>G. VCF-style: chr20-64032872-A-G. GRCh37 (hg19) VCF-style: chr20-62664225-A-G.
Other names: short protein forms E902G.
Identifiers: ClinVar variation 2066693 (VCV002066693.4), dbSNP rs2059321722, ClinGen allele CA409747990.

ClinVar aggregate classification (germline): Uncertain significance (1 of 4 stars; one submission).

Allele frequency attached by ClinVar (database versions not stated): TOPMed below 0.00001.

Submission:

Labcorp Genetics (formerly Invitae), Labcorp
Classification: Uncertain significance. Last evaluated: 2024-11-11. Review status: criteria provided, single submitter. Criteria: Invitae Variant Classification Sherloc (09022015). Collection method: clinical testing. Allele origin: germline.
Comment: This sequence change replaces glutamic acid, which is acidic and polar, with glycine, which is neutral and non-polar, at codon 902 of the PRPF6 protein (p.Glu902Gly). This variant is not present in population databases (gnomAD no frequency). This variant has not been reported in the literature in individuals affected with PRPF6-related conditions. ClinVar contains an entry for this variant (Variation ID: 2066693). Invitae Evidence Modeling of protein sequence and biophysical properties (such as structural, functional, and spatial information, amino acid conservation, physicochemical variation, residue mobility, and thermodynamic stability) indicates that this missense variant is not expected to disrupt PRPF6 protein function with a negative predictive value of 80%. In summary, the available evidence is currently insufficient to determine the role of this variant in disease. Therefore, it has been classified as a Variant of Uncertain Significance.